The following is an entry in ClinVar:

ClinVar aggregate classification (germline): Pathogenic/Likely pathogenic. Review status: criteria provided, multiple submitters, no conflicts (2 of 4 stars). 3 submissions from 3 submitters: Pathogenic (1); Likely pathogenic (1). 1 of the submissions does not count toward it. Last evaluated 2023-12-30.

Conditions:
PTPN11-related disorder. Also called: PTPN11-Related Disorders.
RASopathy. Also called: rasopathies; Noonan spectrum disorder. Identifiers: Orphanet 536391, MedGen C5555857, MONDO:0021060.
Metachondromatosis (METCDS). Identifiers: Orphanet 2499, MedGen C0410530, MONDO:0007979, OMIM 156250.

Submissions (3):

Labcorp Genetics (formerly Invitae), Labcorp
Classification: Pathogenic for RASopathy. Last evaluated: 2023-12-30. Review status: criteria provided, single submitter. Criteria: Invitae Variant Classification Sherloc (09022015). Collection method: clinical testing. Allele origin: germline.
Comment: This sequence change creates a premature translational stop signal (p.Lys89Glufs*7) in the PTPN11 gene. It is expected to result in an absent or disrupted protein product. Loss-of-function variants in PTPN11 are known to be pathogenic (PMID: 20577567, 21533187). This variant is not present in population databases (gnomAD no frequency). This variant has not been reported in the literature in individuals affected with PTPN11-related conditions. ClinVar contains an entry for this variant (Variation ID: 981580). For these reasons, this variant has been classified as Pathogenic.

Blueprint Genetics
Classification: Likely pathogenic for PTPN11-related disorders. Last evaluated: 2023-09-25. Review status: criteria provided, single submitter. Criteria: ACMG Guidelines, 2015. Collection method: clinical testing. Allele origin: germline. Affected: yes. Observed: 1 variant allele.

Service de Génétique Moléculaire, Hôpital Robert Debré
Classification: Uncertain significance for Metachondromatosis. Review status: no assertion criteria provided. Collection method: clinical testing. Allele origin: paternal. Not counted in ClinVar's aggregate classification.

Literature cited by the submitters: PubMed 20577567 (cited by Labcorp Genetics (formerly Invitae), Labcorp); PubMed 21533187 (cited by Labcorp Genetics (formerly Invitae), Labcorp).

NM_002834.5(PTPN11):c.265_269del (p.Lys89fs)

Gene: PTPN11 (protein tyrosine phosphatase non-receptor type 11; plus strand). Cytogenetic location: 12q24.13.
Variant type: Deletion.
Coding change: c.265_269del on transcript NM_002834.5 (MANE Select); coding-DNA positions 265 to 269, 5 bases deleted (AAAGA; older notation c.265_269delAAAGA).
Protein change: p.Lys89fs; shifts the reading frame from lysine 89.
Molecular consequence: frameshift variant.
Genome position (GRCh38, 1-based): chr12:112,450,445-112,450,449, AAAGA deleted; deleting any 5 consecutive bases within chr12:112,450,444-112,450,449 gives the same sequence; the c. name uses the placement nearest the transcript's 3' end. VCF-style (leftmost placement, unchanged base first): chr12-112450443-TAAAAG-T. GRCh37 (hg19) VCF-style: chr12-112888247-TAAAAG-T.
Other names: c.265_269del, p.Lys89fs (NM_001330437.2, NM_080601.3); c.262_266del, p.Lys88fs (NM_001374625.1); short protein forms K88fs, K89fs.
Identifiers: ClinVar variation 981580 (VCV000981580.6), dbSNP rs2540416086, ClinGen allele CA913187378.